The following is an entry in ClinVar:

ClinVar aggregate classification (germline): Uncertain significance (0 of 4 stars; one submission).

Conditions:
GSN-related disorder. Also called: GSN-related condition.

gnomAD v4.1: 6 of 1,535,552 alleles (0.00039%); highest among the groups gnomAD compares: Non-Finnish European, 0.00052%; no homozygotes.

Submission:

PreventionGenetics, part of Exact Sciences
Classification: Uncertain significance for GSN-related condition. Last evaluated: 2024-03-29. Review status: no assertion criteria provided. Collection method: clinical testing. Allele origin: germline.
Comment: The GSN c.3G>A variant is predicted to disrupt the translation initiation site (Start loss). To our knowledge, this variant has not been reported in the literature or in a large population database, indicating this variant is rare. This variant is also known as a pre-coding variant c.-13716G>A on the primary transcript NM_000177.4 of this gene. At this time, the clinical significance of this variant is uncertain due to the absence of conclusive functional and genetic evidence.

NM_198252.3(GSN):c.-10+4584G>A

Genes: GSN (gelsolin; plus strand), LOC126860753 (MED14-independent group 3 enhancer GRCh37_chr9:124048350-124049549; plus strand). Cytogenetic location: 9q33.2.
Variant type: single nucleotide variant.
Coding change: c.-10+4584G>A on transcript NM_198252.3 (MANE Select); 4584 bases into the intron after 10 bases upstream of the start codon, G replaced by A.
Molecular consequence: intron variant. On other transcripts: missense variant (1), initiator codon variant (1), 5 prime UTR variant (1).
Genome position (GRCh38, 1-based): chr9:121,286,146, G>A. VCF-style: chr9-121286146-G-A. GRCh37 (hg19) VCF-style: chr9-124048424-G-A.
Other names: c.3G>A, p.Met1Ile (NM_001258029.2); c.-87G>A (NM_001353069.2); c.-10+4584G>A (NM_001353054.1, NM_001353053.1, NM_001353060.2 and 2 more transcripts); c.-48+4584G>A (NM_001353064.2, NM_001353066.2, NM_001353076.2 and 1 more transcripts); c.-2+4584G>A (NM_001353058.2, NM_001353057.2); c.-39+3596G>A (NM_001353073.2, NM_001353068.2); c.-39+4193G>A (NM_001353065.2); c.-10+4193G>A (NM_001127664.2); and 13 more; short protein forms M1I.
Identifiers: ClinVar variation 3348707 (VCV003348707.1).
Genomic context (GRCh38, chr9:121,286,146, plus strand): 5'-GAGATGATTAGGTTGGCCTGTGTCAGGAGAGGCCCACATAGCTCCCCCCAGCCTCGCGAT[G>A]GCCGAGGAAGAAGCCCTCAGGGGCAATTCTGACCCATGGGTGAGTAGCACGGGATCTGGG-3'